The following is an entry in ClinVar:

NM_005236.3(ERCC4):c.503C>G (p.Ala168Gly)

Gene: ERCC4 (ERCC excision repair 4, endonuclease catalytic subunit; plus strand). Cytogenetic location: 16p13.12.
Variant type: single nucleotide variant.
Coding change: c.503C>G on transcript NM_005236.3 (MANE Select); coding-DNA position 503, C replaced by G.
Protein change: p.Ala168Gly; replaces alanine 168 with glycine.
Molecular consequence: missense variant.
Genome position (GRCh38, 1-based): chr16:13,926,675, C>G. VCF-style: chr16-13926675-C-G. GRCh37 (hg19) VCF-style: chr16-14020532-C-G.
Other names: short protein forms A168G.
Identifiers: ClinVar variation 240126 (VCV000240126.13), dbSNP rs2020961, ClinGen allele CA7910211.

ClinVar aggregate classification (germline): Conflicting classifications of pathogenicity. Review status: criteria provided, conflicting classifications (1 of 4 stars). 5 submissions from 5 submitters: Uncertain significance (2); Likely benign (2). 1 of the submissions does not count toward it. Last evaluated 2026-01-20.

Conditions:
Xeroderma pigmentosum, group F (XPF). Also called: XERODERMA PIGMENTOSUM, COMPLEMENTATION GROUP F; ERCC4-Related Xeroderma Pigmentosum; XERODERMA PIGMENTOSUM VI; XP, GROUP F; XERODERMA PIGMENTOSUM, TYPE F; Xeroderma pigmentosum, type 6. Identifiers: MedGen C0268140, MONDO:0010215, OMIM 278760.
Cockayne syndrome. Identifiers: Orphanet 191, MedGen C0009207, MONDO:0016006.
Fanconi anemia complementation group Q. Identifiers: Orphanet 84, MedGen C3808988, MONDO:0014108, OMIM 615272.
ERCC4-related disorder. Also called: ERCC4-related condition.
XFE progeroid syndrome (XFEPS). Also called: XPF-ERCC1 PROGEROID SYNDROME. Identifiers: MedGen C1970416, MONDO:0012590, OMIM 610965.

Allele frequency attached by ClinVar (database versions not stated): 1000 Genomes Project 30x 0.00047; TOPMed 0.00057; 1000 Genomes Project 0.00060.
gnomAD v4.1: 147 of 1,613,946 alleles (0.0091%); highest among the groups gnomAD compares: African/African-American, 0.16%; no homozygotes.

Submissions (5):

Labcorp Genetics (formerly Invitae), Labcorp
Classification: Likely benign for Fanconi anemia complementation group Q; Xeroderma pigmentosum, group F; Cockayne syndrome. Last evaluated: 2026-01-20. Review status: criteria provided, single submitter. Criteria: Invitae Variant Classification Sherloc (09022015). Collection method: clinical testing. Allele origin: germline.

Blueprint Genetics
Classification: Uncertain significance. Last evaluated: 2024-11-13. Review status: criteria provided, single submitter. Criteria: ACMG Guidelines, 2015. Collection method: clinical testing. Allele origin: germline.

Fulgent Genetics
Classification: Likely benign for Xeroderma pigmentosum, group F; XFE progeroid syndrome; Fanconi anemia complementation group Q. Last evaluated: 2024-02-28. Review status: criteria provided, single submitter. Criteria: ACMG Guidelines, 2015. Collection method: clinical testing. Allele origin: germline.

Baylor Genetics
Classification: Uncertain significance for Fanconi anemia complementation group Q. Last evaluated: 2020-07-28. Review status: criteria provided, single submitter. Criteria: ACMG Guidelines, 2015. Collection method: clinical testing. Allele origin: unknown. Affected: yes. Study: CSER-TexasKidsCanSeq.
Comment: This variant was determined to be of uncertain significance according to ACMG Guidelines, 2015 [PMID:25741868].

PreventionGenetics, part of Exact Sciences
Classification: Likely benign for ERCC4-related condition. Last evaluated: 2024-01-08. Review status: no assertion criteria provided. Collection method: clinical testing. Allele origin: germline. Not counted in ClinVar's aggregate classification.
Comment: This variant is classified as likely benign based on ACMG/AMP sequence variant interpretation guidelines (Richards et al. 2015 PMID: 25741868, with internal and published modifications).